The following is an entry in ClinVar:

NM_013382.7(POMT2):c.1576+55C>T

Gene: POMT2 (protein O-mannosyltransferase 2; minus strand). Cytogenetic location: 14q24.3.
Variant type: single nucleotide variant.
Coding change: c.1576+55C>T on transcript NM_013382.7 (MANE Select); 55 bases into the intron after coding-DNA position 1576, C replaced by T.
Molecular consequence: intron variant.
Genome position (GRCh38, 1-based): chr14:77,284,895, G>A on the plus strand (C>T on the coding strand, the complement: POMT2 is on the minus strand). VCF-style: chr14-77284895-G-A. GRCh37 (hg19) VCF-style: chr14-77751238-G-A.
Identifiers: ClinVar variation 674164 (VCV000674164.2), dbSNP rs78002771, ClinGen allele CA13981156.
Genomic context (GRCh38, chr14:77,284,895, plus strand): 5'-ACAAACAGCAGCAAGTTGAAGGGATAGCACAGTTTACAAACGCTTACTTTTCTAAGATAA[G>A]GGTTTCTTATAAATGCTTCCCTCCAGAGCCAGCCCAGAAAGTGACCTCACTCACACTTGG-3'

ClinVar aggregate classification (germline): Benign. Review status: criteria provided, multiple submitters, no conflicts (2 of 4 stars). 2 submissions from 2 submitters: Benign (2). Last evaluated 2018-06-14.

Allele frequency attached by ClinVar (database versions not stated): 1000 Genomes Project 30x 0.01577; 1000 Genomes Project 0.01637; TOPMed 0.02552; gnomAD 0.02780 and 0.02868; ESP Exome Variant Server 0.03000.
gnomAD v4.1: 51,457 of 1,448,672 alleles (3.6%); highest among the groups gnomAD compares: Non-Finnish European, 4%; 1,059 homozygotes.

Submissions (2):

GeneDx
Classification: Benign. Last evaluated: 2018-06-14. Review status: criteria provided, single submitter. Criteria: GeneDx Variant Classification (06012015). Collection method: clinical testing. Allele origin: germline. Affected: yes.
Comment: This variant is considered likely benign or benign based on one or more of the following criteria: it is a conservative change, it occurs at a poorly conserved position in the protein, it is predicted to be benign by multiple in silico algorithms, and/or has population frequency not consistent with disease.

Breakthrough Genomics
Classification: Benign. Review status: criteria provided, single submitter. Criteria: ACMG Guidelines, 2015. Collection method: not provided. Allele origin: germline. Inheritance: Autosomal recessive inheritance. Affected: yes.